The following is an entry in ClinVar:

ClinVar aggregate classification (germline): Pathogenic/Likely pathogenic. Review status: criteria provided, multiple submitters, no conflicts (2 of 4 stars). 7 submissions from 7 submitters: Pathogenic (3); Likely pathogenic (2). 2 of the submissions do not count toward it. Last evaluated 2025-07-15.

Conditions:
Fanconi anemia (FA). Also called: Fanconi's anemia. Identifiers: Orphanet 84, MedGen C0015625, MeSH D005199, MONDO:0019391.
Fanconi anemia complementation group A (FANCA). Also called: FANCA-Related Fanconi Anemia; Fanconi anemia, group A. Identifiers: Orphanet 84, MedGen C3469521, MONDO:0009215, OMIM 227650.

Allele frequency attached by ClinVar (database versions not stated): gnomAD exomes below 0.00001 and 0.00001; TOPMed below 0.00001; ExAC 0.00001.

Submissions (7):

Natera, Inc.
Classification: Likely pathogenic for Fanconi anemia. Last evaluated: 2025-07-15. Review status: criteria provided, single submitter. Criteria: Natera Variant Classification Schema (03/2026). Collection method: clinical testing. Allele origin: germline.
Comment: The c.4069_4082delGCTGTGGACATGTA variant in FANCA is a frameshift variant predicted to shift the reading frame beginning at codon 1357 and leads to a stop codon 63 codons downstream. This variant is expected to result in nonsense mediated decay, truncation, or a dysfunctional protein product. This variant is rare in the general population with a frequency below the threshold expected for the associated phenotype(s). Given the available evidence, this variant is classified as Likely Pathogenic.

Fulgent Genetics
Classification: Likely pathogenic for Fanconi anemia complementation group A. Last evaluated: 2024-04-18. Review status: criteria provided, single submitter. Criteria: ACMG Guidelines, 2015. Collection method: clinical testing. Allele origin: germline.

Baylor Genetics
Classification: Pathogenic for Fanconi anemia complementation group A. Last evaluated: 2024-03-10. Review status: criteria provided, single submitter. Criteria: ACMG Guidelines, 2015. Collection method: clinical testing. Allele origin: unknown.

Labcorp Genetics (formerly Invitae), Labcorp
Classification: Pathogenic for Fanconi anemia. Last evaluated: 2024-02-25. Review status: criteria provided, single submitter. Criteria: Invitae Variant Classification Sherloc (09022015). Collection method: clinical testing. Allele origin: germline.
Comment: This sequence change creates a premature translational stop signal (p.Ala1357Leufs*63) in the FANCA gene. While this is not anticipated to result in nonsense mediated decay, it is expected to disrupt the last 99 amino acid(s) of the FANCA protein. This variant is present in population databases (rs747892390, gnomAD 0.002%). This premature translational stop signal has been observed in individual(s) with Fanconi anemia (PMID: 9371798). ClinVar contains an entry for this variant (Variation ID: 219753). This variant disrupts a region of the FANCA protein in which other variant(s) (p.Asp1427Thrfs*6) have been determined to be pathogenic (PMID: 11091222). This suggests that this is a clinically significant region of the protein, and that variants that disrupt it are likely to be disease-causing. For these reasons, this variant has been classified as Pathogenic.

Mayo Clinic Laboratories, Mayo Clinic
Classification: Pathogenic. Last evaluated: 2023-04-28. Review status: criteria provided, single submitter. Criteria: ACMG Guidelines, 2015. Collection method: clinical testing. Allele origin: germline. Observed: 1 variant allele.
Comment: PM2, PM3_supporting, PVS1

Leiden Open Variation Database
Classification: Pathogenic for Fanconi anemia complementation group A. Last evaluated: 2020-02-28. Review status: no assertion criteria provided. Collection method: curation. Allele origin: germline. Affected: yes. Not counted in ClinVar's aggregate classification.
Comment: Curator: Arleen D. Auerbach. Submitters to LOVD: Arleen D. Auerbach, Johan de Winter.

Counsyl
Classification: Pathogenic for Fanconi anemia complementation group A. Last evaluated: 2017-07-26. Review status: no assertion criteria provided. Collection method: clinical testing. Allele origin: unknown. Not counted in ClinVar's aggregate classification.

Literature cited by the submitters: PubMed 9371798 (cited by 3 submitters); PubMed 11091222 (cited by Labcorp Genetics (formerly Invitae), Labcorp); PubMed 17924555 (cited by Leiden Open Variation Database and Counsyl).

NM_000135.4(FANCA):c.4069_4082del (p.Ala1357fs)

Genes: ZNF276 (zinc finger protein 276; plus strand), FANCA (FA complementation group A; minus strand). Cytogenetic location: 16q24.3.
Variant type: Deletion.
Coding change: c.4069_4082del on transcript NM_000135.4 (MANE Select); coding-DNA positions 4069 to 4082, 14 bases deleted (GCTGTGGACATGTA).
Protein change: p.Ala1357fs; shifts the reading frame from alanine 1357.
Molecular consequence: frameshift variant. On other transcripts: 3 prime UTR variant (2), non-coding transcript variant (4).
Genome position (GRCh38, 1-based): chr16:89,739,218-89,739,231, TACATGTCCACAGC deleted on the plus strand (GCTGTGGACATGTA on the coding strand, the reverse complement: FANCA is on the minus strand). VCF-style (leftmost placement, unchanged base first): chr16-89739217-GTACATGTCCACAGC-G. GRCh37 (hg19) VCF-style: chr16-89805625-GTACATGTCCACAGC-G.
Other names: p.Ala1357Leufs*63; c.4069_4082del (NM_000135.2); c.4069_4082del, p.Ala1357fs (NM_001286167.3); c.*972_*985del (NM_001113525.2, NM_152287.4); c.4069_4082del14 (NM_000135.2); c.4069_4082delGCTGTGGACATGTA (NM_000135.3); short protein forms A1357fs.
Identifiers: ClinVar variation 219753 (VCV000219753.16), dbSNP rs747892390, ClinGen allele CA348846.